The following is an entry in ClinVar:

ClinVar aggregate classification (germline): Likely benign (1 of 4 stars; one submission).

Allele frequency attached by ClinVar (database versions not stated): ExAC 0.00002; TOPMed 0.00003; gnomAD exomes 0.00006; ESP Exome Variant Server 0.00008.
gnomAD v4.1: 84 of 1,609,780 alleles (0.0052%); highest among the groups gnomAD compares: Non-Finnish European, 0.0065%; no homozygotes.

Submission:

CeGaT Center for Human Genetics Tuebingen
Classification: Likely benign. Last evaluated: 2022-09-01. Review status: criteria provided, single submitter. Criteria: CeGaT Center For Human Genetics Tuebingen Variant Classification Criteria Version 2. Collection method: clinical testing. Allele origin: germline. Affected: yes. Observed: 1 variant allele.
Comment: ENPP2: BP4, BP7

NM_001040092.3(ENPP2):c.1059C>T (p.Asn353=)

Gene: ENPP2 (ectonucleotide pyrophosphatase/phosphodiesterase 2; minus strand). Cytogenetic location: 8q24.12.
Variant type: single nucleotide variant.
Coding change: c.1059C>T on transcript NM_001040092.3 (MANE Select); coding-DNA position 1059, C replaced by T.
Protein change: p.Asn353=; no amino-acid change (asparagine 353 retained).
Molecular consequence: synonymous variant.
Genome position (GRCh38, 1-based): chr8:119,593,774, G>A on the plus strand (C>T on the coding strand, the complement: ENPP2 is on the minus strand). VCF-style: chr8-119593774-G-A. GRCh37 (hg19) VCF-style: chr8-120606014-G-A.
Other names: c.1059C>T, p.Asn353= (NM_001130863.3); c.1047C>T, p.Asn349= (NM_001330600.2); c.1215C>T, p.Asn405= (NM_006209.5).
Identifiers: ClinVar variation 2658779 (VCV002658779.24), dbSNP rs368155133, ClinGen allele CA4856298.
Genomic context (GRCh38, chr8:119,593,774, plus strand): 5'-CCATCTATCCTATTAGCAAAGAAAAAACAAAGCTTTACCATGGTCTCCGACAAAGATGAC[G>A]TTGACACACCGATGCAGTTTTAGTTGTTTCAGTCCATCCATTAATTGCCCCACAATTTTG-3'
Protein context (NP_001035181.1, residues 343-363): LKQLKLHRCV[Asn353=]VIFVGDHGME